The following is an entry in ClinVar:

NM_003055.3(SLC18A3):c.956C>G (p.Thr319Arg)

Genes: CHAT (choline O-acetyltransferase; plus strand), SLC18A3 (solute carrier family 18 member A3; plus strand). Cytogenetic location: 10q11.23.
Variant type: single nucleotide variant.
Coding change: c.956C>G on transcript NM_003055.3 (MANE Select); coding-DNA position 956, C replaced by G.
Protein change: p.Thr319Arg; replaces threonine 319 with arginine.
Molecular consequence: missense variant. On other transcripts: intron variant (1).
Genome position (GRCh38, 1-based): chr10:49,611,696, C>G. VCF-style: chr10-49611696-C-G. GRCh37 (hg19) VCF-style: chr10-50819742-C-G.
Other names: c.-69+2497C>G (NM_020984.4); short protein forms T319R.
Identifiers: ClinVar variation 2074653 (VCV002074653.3), dbSNP rs144950061, ClinGen allele CA5496880.

ClinVar aggregate classification (germline): Uncertain significance. Review status: criteria provided, multiple submitters, no conflicts (2 of 4 stars). 2 submissions from 2 submitters: Uncertain significance (2). Last evaluated 2022-01-21.

Conditions:
Inborn genetic diseases. Identifiers: MedGen C0950123, MeSH D030342.

Allele frequency attached by ClinVar (database versions not stated): gnomAD 0.00002; ESP Exome Variant Server 0.00008.
gnomAD v4.1: 18 of 1,609,434 alleles (0.0011%); highest among the groups gnomAD compares: Middle Eastern, 0.016%; no homozygotes.

Submissions (2):

Labcorp Genetics (formerly Invitae), Labcorp
Classification: Uncertain significance. Last evaluated: 2022-01-21. Review status: criteria provided, single submitter. Criteria: Invitae Variant Classification Sherloc (09022015). Collection method: clinical testing. Allele origin: germline.
Comment: This variant is present in population databases (rs144950061, gnomAD 0.02%). This sequence change replaces threonine, which is neutral and polar, with arginine, which is basic and polar, at codon 319 of the SLC18A3 protein (p.Thr319Arg). This variant has not been reported in the literature in individuals affected with SLC18A3-related conditions. In summary, the available evidence is currently insufficient to determine the role of this variant in disease. Therefore, it has been classified as a Variant of Uncertain Significance. Algorithms developed to predict the effect of missense changes on protein structure and function are either unavailable or do not agree on the potential impact of this missense change (SIFT: "Deleterious"; PolyPhen-2: "Probably Damaging"; Align-GVGD: "Class C0").

Ambry Genetics
Classification: Uncertain significance for Inborn genetic diseases. Last evaluated: 2021-07-27. Review status: criteria provided, single submitter. Criteria: Ambry Variant Classification Scheme 2023. Collection method: clinical testing. Allele origin: germline.